The following is an entry in ClinVar:

NM_006885.4(ZFHX3):c.3512dup (p.Asp1172fs)

Gene: ZFHX3 (zinc finger homeobox 3; minus strand). Cytogenetic location: 16q22.3.
Variant type: Duplication.
Coding change: c.3512dup on transcript NM_006885.4 (MANE Select); coding-DNA position 3512, one base duplicated (A; older notation c.3512dupA).
Protein change: p.Asp1172fs; shifts the reading frame from aspartic acid 1172.
Molecular consequence: frameshift variant.
Genome position (GRCh38, 1-based): chr16:72,829,796, T duplicated on the plus strand (A on the coding strand, the reverse complement: ZFHX3 is on the minus strand); the first of 2 consecutive T bases (chr16:72,829,796-72,829,797); duplicating either gives the same sequence. VCF-style (leftmost placement, unchanged base first): chr16-72829795-C-CT. GRCh37 (hg19) VCF-style: chr16-72863694-C-CT.
Other names: c.770dup, p.Asp258fs (NM_001164766.2); c.3512dup, p.Asp1172fs (NM_001386735.1); short protein forms D258fs, D1172fs.
Identifiers: ClinVar variation 2828030 (VCV002828030.3), dbSNP rs2507571642, ClinGen allele CA2739266889.

ClinVar aggregate classification (germline): Pathogenic (1 of 4 stars; one submission).

Submission:

Labcorp Genetics (formerly Invitae), Labcorp
Classification: Pathogenic. Last evaluated: 2024-08-11. Review status: criteria provided, single submitter. Criteria: Invitae Variant Classification Sherloc (09022015). Collection method: clinical testing. Allele origin: germline.
Comment: This sequence change creates a premature translational stop signal (p.Asp1172Glyfs*30) in the ZFHX3 gene. It is expected to result in an absent or disrupted protein product. Loss-of-function variants in ZFHX3 are known to be pathogenic (PMID: 38412861). This variant is not present in population databases (gnomAD no frequency). This variant has not been reported in the literature in individuals affected with ZFHX3-related conditions. For these reasons, this variant has been classified as Pathogenic.

Literature cited by the submitters: PubMed 38412861.